The following is an entry in ClinVar:

NM_002335.4(LRP5):c.3198C>T (p.Arg1066=)

Gene: LRP5 (LDL receptor related protein 5; plus strand). Cytogenetic location: 11q13.2.
Variant type: single nucleotide variant.
Coding change: c.3198C>T on transcript NM_002335.4 (MANE Select); coding-DNA position 3198, C replaced by T.
Protein change: p.Arg1066=; no amino-acid change (arginine 1066 retained).
Molecular consequence: synonymous variant.
Genome position (GRCh38, 1-based): chr11:68,423,659, C>T. VCF-style: chr11-68423659-C-T. GRCh37 (hg19) VCF-style: chr11-68191127-C-T.
Other names: c.3198C>T (NM_002335.3); c.1455C>T, p.Arg485= (NM_001291902.2).
Identifiers: ClinVar variation 1116349 (VCV001116349.11), dbSNP rs370274326, ClinGen allele CA6149873.

ClinVar aggregate classification (germline): Likely benign. Review status: criteria provided, single submitter (1 of 4 stars). 2 submissions from 2 submitters: Likely benign (1). 1 of the submissions does not count toward it. Last evaluated 2025-11-19.

Conditions:
LRP5-related disorder. Also called: LRP5-related condition.

Allele frequency attached by ClinVar (database versions not stated): gnomAD exomes 0.00001 and 0.00002; TOPMed 0.00001; ExAC 0.00002.
gnomAD v4.1: 18 of 1,613,782 alleles (0.0011%); highest among the groups gnomAD compares: East Asian, 0.0067%; no homozygotes.

Submissions (2):

Labcorp Genetics (formerly Invitae), Labcorp
Classification: Likely benign. Last evaluated: 2025-11-19. Review status: criteria provided, single submitter. Criteria: Invitae Variant Classification Sherloc (09022015). Collection method: clinical testing. Allele origin: germline.

PreventionGenetics, part of Exact Sciences
Classification: Likely benign for LRP5-related condition. Last evaluated: 2023-09-26. Review status: no assertion criteria provided. Collection method: clinical testing. Allele origin: germline. Not counted in ClinVar's aggregate classification.
Comment: This variant is classified as likely benign based on ACMG/AMP sequence variant interpretation guidelines (Richards et al. 2015 PMID: 25741868, with internal and published modifications).